The following is an entry in ClinVar:

NM_000553.6(WRN):c.338A>G (p.His113Arg)

Gene: WRN (WRN RecQ like helicase; plus strand). Cytogenetic location: 8p12.
Variant type: single nucleotide variant.
Coding change: c.338A>G on transcript NM_000553.6 (MANE Select); coding-DNA position 338, A replaced by G.
Protein change: p.His113Arg; replaces histidine 113 with arginine.
Molecular consequence: missense variant.
Genome position (GRCh38, 1-based): chr8:31,064,417, A>G. VCF-style: chr8-31064417-A-G. GRCh37 (hg19) VCF-style: chr8-30921933-A-G.
Other names: short protein forms H113R.
Identifiers: ClinVar variation 946953 (VCV000946953.6), dbSNP rs979134587, ClinGen allele CA174842753.

ClinVar aggregate classification (germline): Uncertain significance (1 of 4 stars; one submission).

Conditions:
Werner syndrome (WRN). Identifiers: Orphanet 902, MedGen C0043119, MONDO:0010196, OMIM 277700.

Allele frequency attached by ClinVar (database versions not stated): TOPMed below 0.00001; gnomAD 0.00001.
gnomAD v4.1: 1 of 1,613,914 alleles (0.000062%); highest among the groups gnomAD compares: Non-Finnish European, 0.000085%; no homozygotes.

Submission:

Labcorp Genetics (formerly Invitae), Labcorp
Classification: Uncertain significance for Werner syndrome. Last evaluated: 2021-09-29. Review status: criteria provided, single submitter. Criteria: Invitae Variant Classification Sherloc (09022015). Collection method: clinical testing. Allele origin: germline.
Comment: This sequence change replaces histidine with arginine at codon 113 of the WRN protein (p.His113Arg). The histidine residue is moderately conserved and there is a small physicochemical difference between histidine and arginine. This variant is not present in population databases (ExAC no frequency). In summary, the available evidence is currently insufficient to determine the role of this variant in disease. Therefore, it has been classified as a Variant of Uncertain Significance. Algorithms developed to predict the effect of missense changes on protein structure and function are either unavailable or do not agree on the potential impact of this missense change (SIFT: "Not Available"; PolyPhen-2: "Probably Damaging"; Align-GVGD: "Not Available"). This variant has not been reported in the literature in individuals affected with WRN-related conditions.